The following is an entry in ClinVar:

NM_031220.4(PITPNM3):c.2099A>G (p.Asn700Ser)

Gene: PITPNM3 (PITPNM family member 3; minus strand). Cytogenetic location: 17p13.2.
Variant type: single nucleotide variant.
Coding change: c.2099A>G on transcript NM_031220.4 (MANE Select); coding-DNA position 2099, A replaced by G.
Protein change: p.Asn700Ser; replaces asparagine 700 with serine.
Molecular consequence: missense variant.
Genome position (GRCh38, 1-based): chr17:6,464,227, T>C on the plus strand (A>G on the coding strand, the complement: PITPNM3 is on the minus strand). VCF-style: chr17-6464227-T-C. GRCh37 (hg19) VCF-style: chr17-6367547-T-C.
Other names: c.1991A>G, p.Asn664Ser (NM_001165966.2); short protein forms N700S, N664S.
Identifiers: ClinVar variation 2065623 (VCV002065623.4), dbSNP rs2543982311, ClinGen allele CA397402826.

ClinVar aggregate classification (germline): Uncertain significance (1 of 4 stars; one submission).

Allele frequency attached by ClinVar (database versions not stated): gnomAD exomes below 0.00001.
gnomAD v4.1: 2 of 1,614,080 alleles (0.00012%); highest among the groups gnomAD compares: Non-Finnish European, 0.00017%; no homozygotes.

Submission:

Labcorp Genetics (formerly Invitae), Labcorp
Classification: Uncertain significance. Last evaluated: 2021-12-29. Review status: criteria provided, single submitter. Criteria: Invitae Variant Classification Sherloc (09022015). Collection method: clinical testing. Allele origin: germline.
Comment: In summary, the available evidence is currently insufficient to determine the role of this variant in disease. Therefore, it has been classified as a Variant of Uncertain Significance. Algorithms developed to predict the effect of sequence changes on RNA splicing suggest that this variant may create or strengthen a splice site. Algorithms developed to predict the effect of missense changes on protein structure and function output the following: SIFT: "Tolerated"; PolyPhen-2: "Benign"; Align-GVGD: "Class C0". The serine amino acid residue is found in multiple mammalian species, which suggests that this missense change does not adversely affect protein function. This variant has not been reported in the literature in individuals affected with PITPNM3-related conditions. This variant is not present in population databases (gnomAD no frequency). This sequence change replaces asparagine, which is neutral and polar, with serine, which is neutral and polar, at codon 700 of the PITPNM3 protein (p.Asn700Ser).